The following is an entry in ClinVar:

NM_015338.6(ASXL1):c.1609G>A (p.Glu537Lys)

Gene: ASXL1 (ASXL transcriptional regulator 1; plus strand). Cytogenetic location: 20q11.21.
Variant type: single nucleotide variant.
Coding change: c.1609G>A on transcript NM_015338.6 (MANE Select); coding-DNA position 1609, G replaced by A.
Protein change: p.Glu537Lys; replaces glutamic acid 537 with lysine.
Molecular consequence: missense variant.
Genome position (GRCh38, 1-based): chr20:32,433,807, G>A. VCF-style: chr20-32433807-G-A. GRCh37 (hg19) VCF-style: chr20-31021610-G-A.
Other names: c.1426G>A, p.Glu476Lys (NM_001363734.1); short protein forms E476K, E537K.
Identifiers: ClinVar variation 1991763 (VCV001991763.4), dbSNP rs369425922, ClinGen allele CA313926213.
Genomic context (GRCh38, chr20:32,433,807, plus strand): 5'-CAGGAACCCAAGGATCAGAAGAGGAAATCCTTTGAGCAGGCGGCCTCTGCATCCTTTCCC[G>A]AAAAGAAGCCCCGGCTTGAAGATCGTCAGTCCTTTCGTAACACAATTGAAAGTGTTCACA-3'
Protein context (NP_056153.2, residues 527-547): FEQAASASFP[Glu537Lys]KKPRLEDRQS

ClinVar aggregate classification (germline): Uncertain significance (1 of 4 stars; one submission).

Allele frequency attached by ClinVar (database versions not stated): TOPMed 0.00001.

Submission:

Labcorp Genetics (formerly Invitae), Labcorp
Classification: Uncertain significance. Last evaluated: 2025-10-22. Review status: criteria provided, single submitter. Criteria: Invitae Variant Classification Sherloc (09022015). Collection method: clinical testing. Allele origin: germline.
Comment: This sequence change replaces glutamic acid, which is acidic and polar, with lysine, which is basic and polar, at codon 537 of the ASXL1 protein (p.Glu537Lys). This variant is present in population databases (rs369425922, gnomAD no frequency). This variant has not been reported in the literature in individuals affected with ASXL1-related conditions. ClinVar contains an entry for this variant (Variation ID: 1991763). An algorithm developed to predict the effect of missense changes on protein structure and function (PolyPhen-2) suggests that this variant is likely to be disruptive. In summary, the available evidence is currently insufficient to determine the role of this variant in disease. Therefore, it has been classified as a Variant of Uncertain Significance.